The following is an entry in ClinVar:

NM_002303.6(LEPR):c.1276T>A (p.Tyr426Asn)

Gene: LEPR (leptin receptor; plus strand). Cytogenetic location: 1p31.3.
Variant type: single nucleotide variant.
Coding change: c.1276T>A on transcript NM_002303.6 (MANE Select); coding-DNA position 1276, T replaced by A.
Protein change: p.Tyr426Asn; replaces tyrosine 426 with asparagine.
Molecular consequence: missense variant.
Genome position (GRCh38, 1-based): chr1:65,601,673, T>A. VCF-style: chr1-65601673-T-A. GRCh37 (hg19) VCF-style: chr1-66067356-T-A.
Other names: c.1276T>A, p.Tyr426Asn (NM_001003679.3, NM_001003680.3, NM_001198687.2 and 2 more transcripts); short protein forms Y426N.
Identifiers: ClinVar variation 4986631 (VCV004986631.1).

ClinVar aggregate classification (germline): Uncertain significance (1 of 4 stars; one submission).

Conditions:
LEPR-related disorder. Also called: LEPR-related disorders; LEPR-related condition.

gnomAD v4.1: 2 of 1,613,554 alleles (0.00012%); highest among the groups gnomAD compares: Admixed American, 0.0033%; no homozygotes.

Submission:

PreventionGenetics, part of Exact Sciences
Classification: Uncertain significance for LEPR-related condition. Last evaluated: 2024-12-08. Review status: criteria provided, single submitter. Criteria: ACMG Guidelines, 2015. Collection method: clinical testing. Allele origin: germline.
Comment: The LEPR c.1276T>A variant is predicted to result in the amino acid substitution p.Tyr426Asn. To our knowledge, this variant has not been reported in the literature in association with disease This variant is reported in 0.0029% of alleles in individuals of Latino descent in gnomAD. At this time, the clinical significance of this variant is uncertain due to the absence of conclusive functional and genetic evidence.